The following is an entry in ClinVar:

NM_000138.5(FBN1):c.5184G>A (p.Ala1728=)

Gene: FBN1 (fibrillin 1; minus strand). Cytogenetic location: 15q21.1.
Variant type: single nucleotide variant.
Coding change: c.5184G>A on transcript NM_000138.5 (MANE Select); coding-DNA position 5184, G replaced by A.
Protein change: p.Ala1728=; no amino-acid change (alanine 1728 retained).
Molecular consequence: synonymous variant.
Genome position (GRCh38, 1-based): chr15:48,463,122, C>T on the plus strand (G>A on the coding strand, the complement: FBN1 is on the minus strand). VCF-style: chr15-48463122-C-T. GRCh37 (hg19) VCF-style: chr15-48755319-C-T.
Identifiers: ClinVar variation 920808 (VCV000920808.14), dbSNP rs754660497, ClinGen allele CA054395.

ClinVar aggregate classification (germline): Likely benign. Review status: criteria provided, multiple submitters, no conflicts (2 of 4 stars). 5 submissions from 5 submitters: Likely benign (5). Last evaluated 2025-10-14.

Conditions:
Familial thoracic aortic aneurysm and aortic dissection (TAAD). Also called: Thoracic aortic aneurysms and dissections. Identifiers: Orphanet 91387, MedGen C4707243, MONDO:0019625.
Marfan syndrome (MFS). Also called: Marfan syndrome, classic; Marfan syndrome type 1; Marfan's syndrome; FBN1-Related Marfan Syndrome; MARFAN SYNDROME, TYPE I. Identifiers: Orphanet 284963, Orphanet 558, MedGen C0024796, MONDO:0007947, OMIM 154700.

Allele frequency attached by ClinVar (database versions not stated): gnomAD 0.00001; TOPMed 0.00002; gnomAD exomes 0.00005 and 0.00006; ExAC 0.00007.
gnomAD v4.1: 75 of 1,614,002 alleles (0.0046%); highest among the groups gnomAD compares: Admixed American, 0.005%; no homozygotes.

Submissions (5):

Labcorp Genetics (formerly Invitae), Labcorp
Classification: Likely benign for Marfan syndrome; Familial thoracic aortic aneurysm and aortic dissection. Last evaluated: 2025-10-14. Review status: criteria provided, single submitter. Criteria: Invitae Variant Classification Sherloc (09022015). Collection method: clinical testing. Allele origin: germline.

All of Us Research Program, National Institutes of Health
Classification: Likely benign for Marfan syndrome. Last evaluated: 2024-06-09. Review status: criteria provided, single submitter. Criteria: ACMG Guidelines, 2015. Collection method: clinical testing. Allele origin: germline. Inheritance: Autosomal dominant inheritance. Observed: 2 variant alleles, 2 heterozygotes.
Comment: This study involves interpretation of variants in research participants for the purpose of population health screening. Participant phenotype was not available at the time of variant classification. Additional details can be found in publication PMID: 35346344, PMCID: PMC8962531

Blueprint Genetics
Classification: Likely benign. Last evaluated: 2023-02-15. Review status: criteria provided, single submitter. Criteria: ACMG Guidelines, 2015. Collection method: clinical testing. Allele origin: germline.

Ambry Genetics
Classification: Likely benign for Familial thoracic aortic aneurysm and aortic dissection. Last evaluated: 2022-10-27. Review status: criteria provided, single submitter. Criteria: Ambry Variant Classification Scheme 2023. Collection method: clinical testing. Allele origin: germline.

Color Diagnostics, LLC DBA Color Health
Classification: Likely benign for Familial thoracic aortic aneurysm and aortic dissection. Last evaluated: 2019-02-01. Review status: criteria provided, single submitter. Criteria: ACMG Guidelines, 2015. Collection method: clinical testing. Allele origin: germline.